The following is an entry in ClinVar:

ClinVar aggregate classification (germline): Uncertain significance (1 of 4 stars; one submission).

Conditions:
Dyskeratosis congenita, autosomal recessive 6 (DKCB6). Identifiers: MedGen C4225356, MONDO:0014600, OMIM 616353.
Pulmonary fibrosis and/or bone marrow failure, Telomere-related, 4. Also called: PULMONARY FIBROSIS AND/OR BONE MARROW FAILURE SYNDROME, TELOMERE-RELATED, 4. Identifiers: Orphanet 2032, MedGen C4225347, MONDO:0014612, OMIM 616371.

Submission:

Labcorp Genetics (formerly Invitae), Labcorp
Classification: Uncertain significance for Dyskeratosis congenita, autosomal recessive 6; Pulmonary fibrosis and/or bone marrow failure, Telomere-related, 4. Last evaluated: 2021-12-16. Review status: criteria provided, single submitter. Criteria: Invitae Variant Classification Sherloc (09022015). Collection method: clinical testing. Allele origin: germline.
Comment: In summary, the available evidence is currently insufficient to determine the role of this variant in disease. Therefore, it has been classified as a Variant of Uncertain Significance. This sequence change replaces leucine, which is neutral and non-polar, with phenylalanine, which is neutral and non-polar, at codon 200 of the PARN protein (p.Leu200Phe). This variant is not present in population databases (gnomAD no frequency). This variant has not been reported in the literature in individuals affected with PARN-related conditions. Algorithms developed to predict the effect of missense changes on protein structure and function are either unavailable or do not agree on the potential impact of this missense change (SIFT: "Deleterious"; PolyPhen-2: "Possibly Damaging"; Align-GVGD: "Class C0").

NM_002582.4(PARN):c.600G>C (p.Leu200Phe)

Gene: PARN (poly(A)-specific ribonuclease; minus strand). Cytogenetic location: 16p13.12.
Variant type: single nucleotide variant.
Coding change: c.600G>C on transcript NM_002582.4 (MANE Select); coding-DNA position 600, G replaced by C.
Protein change: p.Leu200Phe; replaces leucine 200 with phenylalanine.
Molecular consequence: missense variant.
Genome position (GRCh38, 1-based): chr16:14,609,078, C>G on the plus strand (G>C on the coding strand, the complement: PARN is on the minus strand). VCF-style: chr16-14609078-C-G. GRCh37 (hg19) VCF-style: chr16-14702935-C-G.
Other names: c.417G>C, p.Leu139Phe (NM_001134477.3); c.462G>C, p.Leu154Phe (NM_001242992.2); short protein forms L200F, L154F, L139F.
Identifiers: ClinVar variation 2044476 (VCV002044476.4), dbSNP rs2508356217, ClinGen allele CA394809365.